The following is an entry in ClinVar:

ClinVar aggregate classification (germline): Uncertain significance (1 of 4 stars; one submission).

Conditions:
Spermatogenic failure 18. Identifiers: MedGen C4539783, MONDO:0054615, OMIM 617576.
Ciliary dyskinesia, primary, 37 (CILD37). Also called: CILIARY DYSKINESIA, PRIMARY, 37, WITH OR WITHOUT SITUS INVERSUS. Identifiers: MedGen C4539798, MONDO:0033204, OMIM 617577.

gnomAD v4.1: 4 of 1,612,394 alleles (0.00025%); highest among the groups gnomAD compares: Non-Finnish European, 0.00034%; no homozygotes.

Submission:

Labcorp Genetics (formerly Invitae), Labcorp
Classification: Uncertain significance for Ciliary dyskinesia, primary, 37; Spermatogenic failure 18. Last evaluated: 2020-12-06. Review status: criteria provided, single submitter. Criteria: Invitae Variant Classification Sherloc (09022015). Collection method: clinical testing. Allele origin: germline.
Comment: This variant has not been reported in the literature in individuals with DNAH1-related conditions. In summary, the available evidence is currently insufficient to determine the role of this variant in disease. Therefore, it has been classified as a Variant of Uncertain Significance. Advanced modeling of protein sequence and biophysical properties (such as structural, functional, and spatial information, amino acid conservation, physicochemical variation, residue mobility, and thermodynamic stability) performed at Invitae indicates that this missense variant is expected to disrupt DNAH1 protein function. This variant is not present in population databases (ExAC no frequency). This sequence change replaces aspartic acid with histidine at codon 3287 of the DNAH1 protein (p.Asp3287His). The aspartic acid residue is highly conserved and there is a moderate physicochemical difference between aspartic acid and histidine.

NM_015512.5(DNAH1):c.9859G>C (p.Asp3287His)

Gene: DNAH1 (dynein axonemal heavy chain 1; plus strand). Cytogenetic location: 3p21.1.
Variant type: single nucleotide variant.
Coding change: c.9859G>C on transcript NM_015512.5 (MANE Select); coding-DNA position 9859, G replaced by C.
Protein change: p.Asp3287His; replaces aspartic acid 3287 with histidine.
Molecular consequence: missense variant.
Genome position (GRCh38, 1-based): chr3:52,391,296, G>C. VCF-style: chr3-52391296-G-C. GRCh37 (hg19) VCF-style: chr3-52425312-G-C.
Other names: short protein forms D3287H.
Identifiers: ClinVar variation 1496176 (VCV001496176.6), dbSNP rs2153225560, ClinGen allele CA353197998.